The following is an entry in ClinVar:

ClinVar aggregate classification (germline): Uncertain significance (1 of 4 stars; one submission).

Allele frequency attached by ClinVar (database versions not stated): gnomAD 0.00001; TOPMed 0.00003.
gnomAD v4.1: 5 of 1,613,806 alleles (0.00031%); highest among the groups gnomAD compares: African/African-American, 0.0067%; no homozygotes.

Submission:

Labcorp Genetics (formerly Invitae), Labcorp
Classification: Uncertain significance. Last evaluated: 2022-05-22. Review status: criteria provided, single submitter. Criteria: Invitae Variant Classification Sherloc (09022015). Collection method: clinical testing. Allele origin: germline.
Comment: In summary, the available evidence is currently insufficient to determine the role of this variant in disease. Therefore, it has been classified as a Variant of Uncertain Significance. Algorithms developed to predict the effect of missense changes on protein structure and function output the following: SIFT: "Tolerated"; PolyPhen-2: "Benign"; Align-GVGD: "Class C0". The aspartic acid amino acid residue is found in multiple mammalian species, which suggests that this missense change does not adversely affect protein function. This variant has not been reported in the literature in individuals affected with PLAA-related conditions. This variant is present in population databases (no rsID available, gnomAD 0.01%). This sequence change replaces asparagine, which is neutral and polar, with aspartic acid, which is acidic and polar, at codon 486 of the PLAA protein (p.Asn486Asp).

NM_001031689.3(PLAA):c.1456A>G (p.Asn486Asp)

Gene: PLAA (phospholipase A2 activating protein; minus strand). Cytogenetic location: 9p21.2.
Variant type: single nucleotide variant.
Coding change: c.1456A>G on transcript NM_001031689.3 (MANE Select); coding-DNA position 1456, A replaced by G.
Protein change: p.Asn486Asp; replaces asparagine 486 with aspartic acid.
Molecular consequence: missense variant. On other transcripts: intron variant (1).
Genome position (GRCh38, 1-based): chr9:26,917,127, T>C on the plus strand (A>G on the coding strand, the complement: PLAA is on the minus strand). VCF-style: chr9-26917127-T-C. GRCh37 (hg19) VCF-style: chr9-26917125-T-C.
Other names: c.1417+2183A>G (NM_001321546.2); short protein forms N486D.
Identifiers: ClinVar variation 1383778 (VCV001383778.8), dbSNP rs776400772, ClinGen allele CA373131236.